The following is an entry in ClinVar:

NM_007294.4(BRCA1):c.800C>T (p.Ser267Leu)

Gene: BRCA1 (BRCA1 DNA repair associated; minus strand). Cytogenetic location: 17q21.31.
Variant type: single nucleotide variant.
Coding change: c.800C>T on transcript NM_007294.4 (MANE Select); coding-DNA position 800, C replaced by T.
Protein change: p.Ser267Leu; replaces serine 267 with leucine.
Molecular consequence: missense variant. On other transcripts: 5 prime UTR variant (2), intron variant (137).
Genome position (GRCh38, 1-based): chr17:43,094,731, G>A on the plus strand (C>T on the coding strand, the complement: BRCA1 is on the minus strand). VCF-style: chr17-43094731-G-A. GRCh37 (hg19) VCF-style: chr17-41246748-G-A.
Other names: c.659C>T, p.Ser220Leu (NM_001407942.1, NM_001407944.1, NM_001407945.1 and 29 more transcripts); c.656C>T, p.Ser219Leu (NM_001407943.1, NM_001407964.1, NM_001407740.1 and 20 more transcripts); c.467C>T, p.Ser156Leu (NM_001407946.1, NM_001407947.1, NM_001407948.1 and 6 more transcripts); c.464C>T, p.Ser155Leu (NM_001407954.1, NM_001407955.1, NM_001407956.1 and 1 more transcripts); c.419C>T, p.Ser140Leu (NM_001407959.1, NM_001407960.1, NM_001407963.1); c.416C>T, p.Ser139Leu (NM_001407962.1); c.296C>T, p.Ser99Leu (NM_001407965.1); c.-89C>T (NM_001407966.1, NM_001407967.1); and 40 more; short protein forms S139L, S140L, S155L, S156L, S178L, S179L, S196L, S197L.
Identifiers: ClinVar variation 4800864 (VCV004800864.1).

ClinVar aggregate classification (germline): Uncertain significance (1 of 4 stars; one submission).

Conditions:
Hereditary breast ovarian cancer syndrome. Also called: Hereditary breast and ovarian cancer syndrome (HBOC); Hereditary breast and ovarian cancer; Breast and ovarian cancer; Hereditary breast and/or ovarian cancer syndrome; BRCA1- and BRCA2-Associated Hereditary Breast and Ovarian Cancer; Hereditary breast and ovarian cancer syndrome. Identifiers: Orphanet 145, MedGen C0677776, MeSH D061325, MONDO:0003582. Disease mechanism: loss of function.

Submission:

Labcorp Genetics (formerly Invitae), Labcorp
Classification: Uncertain significance for Hereditary breast ovarian cancer syndrome. Last evaluated: 2025-07-21. Review status: criteria provided, single submitter. Criteria: Invitae Variant Classification Sherloc (09022015). Collection method: clinical testing. Allele origin: germline.
Comment: This sequence change replaces serine, which is neutral and polar, with leucine, which is neutral and non-polar, at codon 267 of the BRCA1 protein (p.Ser267Leu). This variant is not present in population databases (gnomAD no frequency). This variant has not been reported in the literature in individuals affected with BRCA1-related conditions. Invitae Evidence Modeling of protein sequence and biophysical properties (such as structural, functional, and spatial information, amino acid conservation, physicochemical variation, residue mobility, and thermodynamic stability) indicates that this missense variant is expected to disrupt BRCA1 protein function with a positive predictive value of 80%. In summary, the available evidence is currently insufficient to determine the role of this variant in disease. Therefore, it has been classified as a Variant of Uncertain Significance.